The following is an entry in ClinVar:

NM_000487.6(ARSA):c.582del (p.Trp195fs)

Gene: ARSA (arylsulfatase A; minus strand). Cytogenetic location: 22q13.33.
Variant type: Deletion.
Coding change: c.582del on transcript NM_000487.6 (MANE Select); coding-DNA position 582, one base deleted (C; older notation c.582delC).
Protein change: p.Trp195fs; shifts the reading frame from tryptophan 195.
Molecular consequence: frameshift variant.
Genome position (GRCh38, 1-based): chr22:50,626,936, G deleted on the plus strand (C on the coding strand, the reverse complement: ARSA is on the minus strand); the first of 6 consecutive G bases (chr22:50,626,936-50,626,941); deleting any one gives the same sequence. VCF-style (leftmost placement, unchanged base first): chr22-50626935-AG-A. GRCh37 (hg19) VCF-style: chr22-51065363-AG-A.
Other names: c.324del, p.Trp109fs (NM_001085428.3, NM_001362782.2); c.582del, p.Trp195fs (NM_001085425.3, NM_001085426.3, NM_001085427.3); short protein forms W109fs, W195fs.
Identifiers: ClinVar variation 1098313 (VCV001098313.8), dbSNP rs2082680996, ClinGen allele CA2410959322.

ClinVar aggregate classification (germline): Pathogenic. Review status: criteria provided, multiple submitters, no conflicts (2 of 4 stars). 2 submissions from 2 submitters: Pathogenic (2). Last evaluated 2023-11-28.

Conditions:
Metachromatic leukodystrophy (MLD). Also called: ARSA DEFICIENCY; CEREBROSIDE SULFATASE DEFICIENCY; METACHROMATIC LEUKOENCEPHALOPATHY; SULFATIDE LIPIDOSIS; Cerebral sclerosis diffuse metachromatic form; Arylsulfatase A Deficiency. Identifiers: Orphanet 512, MedGen C0023522, MONDO:0018868, OMIM 250100.

Submissions (2):

Labcorp Genetics (formerly Invitae), Labcorp
Classification: Pathogenic for Metachromatic leukodystrophy. Last evaluated: 2023-11-28. Review status: criteria provided, single submitter. Criteria: Invitae Variant Classification Sherloc (09022015). Collection method: clinical testing. Allele origin: germline.
Comment: This sequence change creates a premature translational stop signal (p.Trp195Glyfs*5) in the ARSA gene. It is expected to result in an absent or disrupted protein product. Loss-of-function variants in ARSA are known to be pathogenic (PMID: 8962139, 10477432). This variant is not present in population databases (gnomAD no frequency). This premature translational stop signal has been observed in individual(s) with metachromatic leukodystrophy (PMID: 30674982). This variant is also known as c.576delC. ClinVar contains an entry for this variant (Variation ID: 1098313). For these reasons, this variant has been classified as Pathogenic.

Foundation for Research in Genetics and Endocrinology, FRIGE's Institute of Human Genetics
Classification: Pathogenic for Metachromatic leukodystrophy. Last evaluated: 2021-04-20. Review status: criteria provided, single submitter. Criteria: ACMG Guidelines, 2015. Collection method: clinical testing. Allele origin: germline. Inheritance: Autosomal recessive inheritance. Affected: yes. Observed: 1 variant allele, 1 homozygote.
Comment: A homozygous single base pair deletion in exon 4 of the ARSA gene that results in a frameshift and premature truncation of the protein 5 amino acids downstream to codon 195 was detected. The variant c.582del (p.Trp195Glyfs*5) has not been reported in 1000 genomes and gnomAD databases. The in silico prediction of the variant is damaging by MutationTaster2. The reference region is conserved across species. In summary, the variant meets our criteria to be classified as pathogenic.

Literature cited by the submitters: PubMed 8962139 (cited by Labcorp Genetics (formerly Invitae), Labcorp); PubMed 10477432 (cited by Labcorp Genetics (formerly Invitae), Labcorp); PubMed 30674982 (cited by Labcorp Genetics (formerly Invitae), Labcorp).